The following is an entry in ClinVar:

NC_000014.9:g.(?_87992960)_(87993627_?)del

Gene: GALC (galactosylceramidase; minus strand). Cytogenetic location: 14q31.3.
Variant type: Deletion.
Identifiers: ClinVar variation 831740 (VCV000831740.8).

ClinVar aggregate classification (germline): Pathogenic (1 of 4 stars; one submission).

Conditions:
Galactosylceramide beta-galactosidase deficiency. Also called: Leukodystrophy, Globoid Cell; Krabbe Disease; GALACTOCEREBROSIDASE DEFICIENCY; GALC DEFICIENCY; GLOBOID CELL LEUKOENCEPHALOPATHY. Identifiers: Orphanet 487, MedGen C0023521, MONDO:0009499, OMIM 245200.

Submission:

Labcorp Genetics (formerly Invitae), Labcorp
Classification: Pathogenic for Galactosylceramide beta-galactosidase deficiency. Last evaluated: 2019-07-16. Review status: criteria provided, single submitter. Criteria: Invitae Variant Classification Sherloc (09022015). Collection method: clinical testing. Allele origin: germline.
Comment: This variant is a gross deletion of the genomic region encompassing exons 1-6 of the GALC gene, which includes the initiator codon. The 5' end of this event is unknown as it extends beyond the assayed region for this gene and therefore may encompass additional genes. The 3' boundary is likely confined to intron 6 of the GALC gene. This is expected to result in an absent or disrupted protein product. This variant has not been reported in the literature in individuals with GALC-related conditions. Loss-of-function variants in GALC are known to be pathogenic (PMID: 7437911, 9272171, 16607461). For these reasons, this variant has been classified as Pathogenic.

Literature cited by the submitters: PubMed 7437911; PubMed 9272171; PubMed 16607461.